The following is an entry in ClinVar:

NM_001005242.3(PKP2):c.1379-2013A>T

Gene: PKP2 (plakophilin 2; minus strand). Cytogenetic location: 12p11.21.
Variant type: single nucleotide variant.
Coding change: c.1379-2013A>T on transcript NM_001005242.3 (MANE Select); 2013 bases into the intron before coding-DNA position 1379, A replaced by T.
Molecular consequence: intron variant. On other transcripts: missense variant (2).
Genome position (GRCh38, 1-based): chr12:32,843,218, T>A on the plus strand (A>T on the coding strand, the complement: PKP2 is on the minus strand). VCF-style: chr12-32843218-T-A. GRCh37 (hg19) VCF-style: chr12-32996152-T-A.
Other names: c.1474A>T, p.Thr492Ser (NM_001407157.1, NM_004572.4); c.1379-2013A>T (NM_001407156.1, NM_001407155.1, NM_001407161.1); c.1052-2013A>T (NM_001407160.1, NM_001407159.1, NM_001407158.1 and 1 more transcripts); short protein forms T492S.
Identifiers: ClinVar variation 2774097 (VCV002774097.2), dbSNP rs2541270080, ClinGen allele CA384368617.

ClinVar aggregate classification (germline): Uncertain significance (1 of 4 stars; one submission).

Conditions:
Cardiomyopathy (CMYO). Also called: Cardiomyopathies. Identifiers: Orphanet 167848, MedGen C0878544, MONDO:0004994, HP:0001638. Inheritance: Various modes of inheritance.

Submission:

Color Diagnostics, LLC DBA Color Health
Classification: Uncertain significance for Cardiomyopathy. Last evaluated: 2023-12-04. Review status: criteria provided, single submitter. Criteria: ACMG Guidelines, 2015. Collection method: clinical testing. Allele origin: germline.
Comment: This missense variant replaces threonine with serine at codon 492 of the PKP2 protein. Computational prediction suggests that this variant may not impact protein structure and function (internally defined REVEL score threshold <= 0.5, PMID: 27666373). To our knowledge, functional studies have not been reported for this variant. This variant has not been reported in individuals affected with PKP2-related disorders in the literature. This variant has not been identified in the general population by the Genome Aggregation Database (gnomAD). The available evidence is insufficient to determine the role of this variant in disease conclusively. Therefore, this variant is classified as a Variant of Uncertain Significance.